The following is an entry in ClinVar:

ClinVar aggregate classification (germline): Uncertain significance (1 of 4 stars; one submission).

Conditions:
Hereditary cancer-predisposing syndrome. Also called: Hereditary neoplastic syndrome; Neoplastic Syndromes, Hereditary; Tumor predisposition; Hereditary Cancer Syndrome. Identifiers: Orphanet 140162, MedGen C0027672, MeSH D009386, MONDO:0015356.

Submission:

Ambry Genetics
Classification: Uncertain significance for Hereditary cancer-predisposing syndrome. Last evaluated: 2025-08-24. Review status: criteria provided, single submitter. Criteria: Ambry Variant Classification Scheme 2023. Collection method: clinical testing. Allele origin: germline.
Comment: The p.T1246A variant (also known as c.3736A>G), located in coding exon 30 of the POLE gene, results from an A to G substitution at nucleotide position 3736. The threonine at codon 1246 is replaced by alanine, an amino acid with similar properties. This amino acid position is conserved. In addition, this alteration is predicted to be tolerated by in silico analysis. Based on the available evidence, the clinical significance of this variant remains unclear.

NM_006231.4(POLE):c.3736A>G (p.Thr1246Ala)

Gene: POLE (DNA polymerase epsilon, catalytic subunit; minus strand). Cytogenetic location: 12q24.33.
Variant type: single nucleotide variant.
Coding change: c.3736A>G on transcript NM_006231.4 (MANE Select); coding-DNA position 3736, A replaced by G.
Protein change: p.Thr1246Ala; replaces threonine 1246 with alanine.
Molecular consequence: missense variant.
Genome position (GRCh38, 1-based): chr12:132,649,736, T>C on the plus strand (A>G on the coding strand, the complement: POLE is on the minus strand). VCF-style: chr12-132649736-T-C. GRCh37 (hg19) VCF-style: chr12-133226322-T-C.
Other names: short protein forms T1246A.
Identifiers: ClinVar variation 4141225 (VCV004141225.1).
Genomic context (GRCh38, chr12:132,649,736, plus strand): 5'-CCTGGCTGGTTCCCAGGGCGGGAGGCTGCCCCAAGATTTCCTGCCAGGGCACAGTCGGCG[T>C]GAGGTCCTGGGACTCCTCCTGGCTCTCCCAAAGAACTCGCTTCCTCTTCACAGTGACAGG-3'
Protein context (NP_006222.2, residues 1236-1256): WESQEESQDL[Thr1246Ala]PTVPWQEILG